The following is an entry in ClinVar:

ClinVar aggregate classification (germline): Uncertain significance (1 of 4 stars; one submission).

Submission:

Labcorp Genetics (formerly Invitae), Labcorp
Classification: Uncertain significance. Last evaluated: 2024-06-24. Review status: criteria provided, single submitter. Criteria: Invitae Variant Classification Sherloc (09022015). Collection method: clinical testing. Allele origin: germline.
Comment: This sequence change replaces arginine, which is basic and polar, with tryptophan, which is neutral and slightly polar, at codon 29 of the TOPORS protein (p.Arg29Trp). This variant is present in population databases (rs376234365, gnomAD 0.002%). This variant has not been reported in the literature in individuals affected with TOPORS-related conditions. An algorithm developed to predict the effect of missense changes on protein structure and function (PolyPhen-2) suggests that this variant is likely to be disruptive. In summary, the available evidence is currently insufficient to determine the role of this variant in disease. Therefore, it has been classified as a Variant of Uncertain Significance.

NM_005802.5(TOPORS):c.85C>T (p.Arg29Trp)

Gene: TOPORS (TOP1 binding arginine/serine rich protein, E3 ubiquitin ligase; minus strand). Cytogenetic location: 9p21.1.
Variant type: single nucleotide variant.
Coding change: c.85C>T on transcript NM_005802.5 (MANE Select); coding-DNA position 85, C replaced by T.
Protein change: p.Arg29Trp; replaces arginine 29 with tryptophan.
Molecular consequence: missense variant. On other transcripts: intron variant (1).
Genome position (GRCh38, 1-based): chr9:32,550,887, G>A on the plus strand (C>T on the coding strand, the complement: TOPORS is on the minus strand). VCF-style: chr9-32550887-G-A. GRCh37 (hg19) VCF-style: chr9-32550885-G-A.
Other names: c.3+1547C>T (NM_001195622.2); short protein forms R29W.
Identifiers: ClinVar variation 3625361 (VCV003625361.2).